The following is an entry in ClinVar:

NM_000092.5(COL4A4):c.595-111T>C

Gene: COL4A4 (collagen type IV alpha 4 chain; minus strand). Cytogenetic location: 2q36.3.
Variant type: single nucleotide variant.
Coding change: c.595-111T>C on transcript NM_000092.5 (MANE Select); 111 bases into the intron before coding-DNA position 595, T replaced by C.
Molecular consequence: intron variant.
Genome position (GRCh38, 1-based): chr2:227,109,397, A>G on the plus strand (T>C on the coding strand, the complement: COL4A4 is on the minus strand). VCF-style: chr2-227109397-A-G. GRCh37 (hg19) VCF-style: chr2-227974113-A-G.
Identifiers: ClinVar variation 1184739 (VCV001184739.7), dbSNP rs6436654, ClinGen allele CA11139419.

ClinVar aggregate classification (germline): Benign. Review status: criteria provided, multiple submitters, no conflicts (2 of 4 stars). 4 submissions from 4 submitters: Benign (4). Last evaluated 2024-07-15.

Conditions:
Autosomal recessive Alport syndrome (ATS2). Also called: COL4A3-Related Nephropathy; COL4A4 Alport Syndrome and Thin Basement Membrane Nephropathy; ALPORT SYNDROME 2, AUTOSOMAL RECESSIVE; Alport syndrome type 2. Identifiers: Orphanet 63, Orphanet 88919, MedGen C4746745, MONDO:0008762, OMIM 203780.

Allele frequency attached by ClinVar (database versions not stated): gnomAD exomes 0.63831; 1000 Genomes Project 0.68950; 1000 Genomes Project 30x 0.69831; gnomAD 0.70499 and 0.71196; TOPMed 0.70917.
gnomAD v4.1: 574,924 of 884,130 alleles (65%); highest among the groups gnomAD compares: African/African-American, 88%; 189,832 homozygotes.

Submissions (4):

Unidad de Genómica Garrahan, Hospital de Pediatría Garrahan
Classification: Benign. Last evaluated: 2024-07-15. Review status: criteria provided, single submitter. Criteria: ACMG Guidelines, 2015. Collection method: clinical testing. Allele origin: germline. Affected: no. Observed: 56 variant alleles.
Comment: This variant is classified as Benign based on local population frequency. This variant was detected in 60% of patients studied in a panel designed for Epileptic and Developmental Encephalopathy and Progressive Myoclonus Epilepsy. Number of patients: 56. Only high quality variants are reported.

Genome-Nilou Lab
Classification: Benign for Autosomal recessive Alport syndrome. Last evaluated: 2021-07-10. Review status: criteria provided, single submitter. Criteria: ACMG Guidelines, 2015. Collection method: clinical testing. Allele origin: germline. Affected: no.

GeneDx
Classification: Benign. Last evaluated: 2018-07-09. Review status: criteria provided, single submitter. Criteria: GeneDx Variant Classification Process June 2021. Collection method: clinical testing. Allele origin: germline. Affected: yes.

Breakthrough Genomics
Classification: Benign. Review status: criteria provided, single submitter. Criteria: ACMG Guidelines, 2015. Collection method: not provided. Allele origin: germline. Inheritance: Autosomal recessive inheritance. Affected: yes.